The following is an entry in ClinVar:

NM_025233.7(COASY):c.1311_1312delinsAG (p.Lys438Glu)

Gene: COASY (Coenzyme A synthase; plus strand). Cytogenetic location: 17q21.2.
Variant type: Indel.
Coding change: c.1311_1312delinsAG on transcript NM_025233.7 (MANE Select); coding-DNA positions 1311 to 1312, GA replaced by AG.
Protein change: p.Lys438Glu; replaces lysine 438 with glutamic acid.
Molecular consequence: missense variant.
Genome position (GRCh38, 1-based): chr17:42,565,235-42,565,236, GA replaced by AG. VCF-style: chr17-42565235-GA-AG. GRCh37 (hg19) VCF-style: chr17-40717253-GA-AG.
Other names: c.1311_1312delinsAG, p.Lys438Glu (NM_001042529.3); c.1398_1399delinsAG, p.Lys467Glu (NM_001042532.4); short protein forms K467E, K438E.
Identifiers: ClinVar variation 4775816 (VCV004775816.1).

ClinVar aggregate classification (germline): Uncertain significance (1 of 4 stars; one submission).

Conditions:
Neurodegeneration with brain iron accumulation 6 (NBIA6). Also called: COASY protein-associated neurodegeneration. Identifiers: Orphanet 397725, MedGen C4517377, MONDO:0014290, OMIM 615643.

Submission:

Labcorp Genetics (formerly Invitae), Labcorp
Classification: Uncertain significance for Neurodegeneration with brain iron accumulation 6. Last evaluated: 2025-11-26. Review status: criteria provided, single submitter. Criteria: Invitae Variant Classification Sherloc (09022015). Collection method: clinical testing. Allele origin: germline.
Comment: This sequence change replaces lysine, which is basic and polar, with glutamic acid, which is acidic and polar, at codon 438 of the COASY protein (p.Lys438Glu). Information on the frequency of this variant in the gnomAD database is not available, as this variant may be reported differently in the database. This variant has not been reported in the literature in individuals affected with COASY-related conditions. Experimental studies and prediction algorithms are not available or were not evaluated, and the functional significance of this variant is currently unknown. In summary, the available evidence is currently insufficient to determine the role of this variant in disease. Therefore, it has been classified as a Variant of Uncertain Significance.